The following is an entry in ClinVar:

NM_182914.3(SYNE2):c.17712+1G>T

Gene: SYNE2 (spectrin repeat containing nuclear envelope protein 2; plus strand). Cytogenetic location: 14q23.2.
Variant type: single nucleotide variant.
Coding change: c.17712+1G>T on transcript NM_182914.3 (MANE Select); the canonical splice donor site of the intron after coding-DNA position 17712, G replaced by T.
Molecular consequence: splice donor variant.
Genome position (GRCh38, 1-based): chr14:64,186,580, G>T. VCF-style: chr14-64186580-G-T. GRCh37 (hg19) VCF-style: chr14-64653298-G-T.
Other names: c.17712+1G>T (NM_015180.6).
Identifiers: ClinVar variation 2701322 (VCV002701322.3), dbSNP rs2549758008, ClinGen allele CA389990501.
Genomic context (GRCh38, chr14:64,186,580, plus strand): 5'-ATGGTTTTGAAGGAGCAAATAGAGCATTTGCACAGACAATGGGAGGACCTCTGCTTAAGG[G>T]TAAGTCAGCTCACTGCAGGGCACGGCTGTTTGGGAGTGGATTGAAATGTCTCTGAAGGCC-3'

ClinVar aggregate classification (germline): Uncertain significance (1 of 4 stars; one submission).

Conditions:
Emery-Dreifuss muscular dystrophy 5, autosomal dominant (EDMD5). Also called: EMERY-DREIFUSS MUSCULAR DYSTROPHY 5. Identifiers: Orphanet 261, MedGen C2751805, MONDO:0013072, OMIM 612999.

Allele frequency attached by ClinVar (database versions not stated): gnomAD exomes below 0.00001.
gnomAD v4.1: 1 of 1,614,158 alleles (0.000062%); highest among the groups gnomAD compares: Non-Finnish European, 0.000085%; no homozygotes.

Submission:

Labcorp Genetics (formerly Invitae), Labcorp
Classification: Uncertain significance for Emery-Dreifuss muscular dystrophy 5, autosomal dominant. Last evaluated: 2023-12-06. Review status: criteria provided, single submitter. Criteria: Invitae Variant Classification Sherloc (09022015). Collection method: clinical testing. Allele origin: germline.
Comment: This sequence change affects a donor splice site in intron 97 of the SYNE2 gene. It is expected to disrupt RNA splicing. Variants that disrupt the donor or acceptor splice site typically lead to a loss of protein function (PMID: 16199547), however the current clinical and genetic evidence is not sufficient to establish whether loss-of-function variants in SYNE2 cause disease. This variant is not present in population databases (gnomAD no frequency). This variant has not been reported in the literature in individuals affected with SYNE2-related conditions. Algorithms developed to predict the effect of sequence changes on RNA splicing suggest that this variant may disrupt the consensus splice site. In summary, the available evidence is currently insufficient to determine the role of this variant in disease. Therefore, it has been classified as a Variant of Uncertain Significance.

Literature cited by the submitters: PubMed 16199547.